The following is an entry in ClinVar:

NM_004606.5(TAF1):c.3709A>G (p.Arg1237Gly)

Gene: TAF1 (TATA-box binding protein associated factor 1; plus strand). Cytogenetic location: Xq13.1.
Variant type: single nucleotide variant.
Coding change: c.3709A>G on transcript NM_004606.5 (MANE Select); coding-DNA position 3709, A replaced by G.
Protein change: p.Arg1237Gly; replaces arginine 1237 with glycine.
Molecular consequence: missense variant. On other transcripts: non-coding transcript variant (9).
Genome position (GRCh38, 1-based): chrX:71,398,660, A>G. VCF-style: chrX-71398660-A-G. GRCh37 (hg19) VCF-style: chrX-70618510-A-G.
Other names: c.3709A>G, p.Arg1237Gly (NM_001286074.2); c.3646A>G, p.Arg1216Gly (NM_138923.4); short protein forms R1216G, R1237G.
Identifiers: ClinVar variation 1804333 (VCV001804333.1), dbSNP rs899367749, ClinGen allele CA413531943.

ClinVar aggregate classification (germline): Uncertain significance (1 of 4 stars; one submission).

Submission:

GeneDx
Classification: Uncertain significance. Last evaluated: 2022-06-13. Review status: criteria provided, single submitter. Criteria: GeneDx Variant Classification Process June 2021. Collection method: clinical testing. Allele origin: germline. Affected: yes.
Comment: Not observed at significant frequency in large population cohorts (gnomAD); In silico analysis supports that this missense variant has a deleterious effect on protein structure/function; Has not been previously published as pathogenic or benign to our knowledge